The following is an entry in ClinVar:

ClinVar aggregate classification (germline): Conflicting classifications of pathogenicity. Review status: criteria provided, conflicting classifications (1 of 4 stars). 3 submissions from 3 submitters: Uncertain significance (2); Likely benign (1). Last evaluated 2024-02-14.

Allele frequency attached by ClinVar (database versions not stated): gnomAD exomes below 0.00001; gnomAD 0.00001; TOPMed 0.00001.
gnomAD v4.1: 30 of 1,612,356 alleles (0.0019%); highest among the groups gnomAD compares: Non-Finnish European, 0.0024%; no homozygotes.

Submissions (3):

Women's Health and Genetics/Laboratory Corporation of America, LabCorp
Classification: Uncertain significance. Last evaluated: 2024-02-14. Review status: criteria provided, single submitter. Criteria: LabCorp Variant Classification Summary - May 2015. Collection method: clinical testing. Allele origin: germline.
Comment: Variant summary: COL11A1 c.365A>C (p.His122Pro) results in a non-conservative amino acid change located in the Laminin G domain (IPR001791) of the encoded protein sequence. Three of five in-silico tools predict a damaging effect of the variant on protein function. The variant allele was found at a frequency of 1.9e-05 in 1612356 control chromosomes gnomAD database (v4.0.0). This frequency does not allow conclusion about variant significance. To our knowledge, no occurrence of c.365A>C in individuals affected with Stickler Syndrome and no experimental evidence demonstrating its impact on protein function have been reported. ClinVar contains an entry for this variant (Variation ID: 1520194). Based on the evidence outlined above, the variant was classified as uncertain significance.

Labcorp Genetics (formerly Invitae), Labcorp
Classification: Likely benign. Last evaluated: 2022-12-15. Review status: criteria provided, single submitter. Criteria: Invitae Variant Classification Sherloc (09022015). Collection method: clinical testing. Allele origin: germline.

Blueprint Genetics
Classification: Uncertain significance. Last evaluated: 2020-12-14. Review status: criteria provided, single submitter. Criteria: ACMG Guidelines, 2015. Collection method: clinical testing. Allele origin: germline.

NM_001854.4(COL11A1):c.365A>C (p.His122Pro)

Gene: COL11A1 (collagen type XI alpha 1 chain; minus strand). Cytogenetic location: 1p21.1.
Variant type: single nucleotide variant.
Coding change: c.365A>C on transcript NM_001854.4 (MANE Select); coding-DNA position 365, A replaced by C.
Protein change: p.His122Pro; replaces histidine 122 with proline.
Molecular consequence: missense variant. On other transcripts: non-coding transcript variant (1).
Genome position (GRCh38, 1-based): chr1:103,078,781, T>G on the plus strand (A>C on the coding strand, the complement: COL11A1 is on the minus strand). VCF-style: chr1-103078781-T-G. GRCh37 (hg19) VCF-style: chr1-103544337-T-G.
Other names: c.365A>C, p.His122Pro (NM_001190709.2, NM_080629.3, NM_080630.4); short protein forms H122P.
Identifiers: ClinVar variation 1520194 (VCV001520194.11), dbSNP rs1315092621, ClinGen allele CA341167895.